The following is an entry in ClinVar:

ClinVar aggregate classification (germline): Uncertain significance (1 of 4 stars; one submission).

Conditions:
Deficiency of adenosine deaminase 2. Also called: Adenosine Deaminase 2 Deficiency; VASCULITIS, AUTOINFLAMMATION, IMMUNODEFICIENCY, AND HEMATOLOGIC DEFECTS SYNDROME; Polyarteritis nodosa, childhoood-onset. Identifiers: Orphanet 404553, MedGen C3887654, MONDO:0014306, OMIM 615688, MONDO:0100317.

Submission:

Labcorp Genetics (formerly Invitae), Labcorp
Classification: Uncertain significance for Deficiency of adenosine deaminase 2. Last evaluated: 2025-04-11. Review status: criteria provided, single submitter. Criteria: Invitae Variant Classification Sherloc (09022015). Collection method: clinical testing. Allele origin: germline.
Comment: This sequence change replaces glutamic acid, which is acidic and polar, with glycine, which is neutral and non-polar, at codon 258 of the ADA2 protein (p.Glu258Gly). This variant is not present in population databases (gnomAD no frequency). This variant has not been reported in the literature in individuals affected with ADA2-related conditions. Invitae Evidence Modeling of protein sequence and biophysical properties (such as structural, functional, and spatial information, amino acid conservation, physicochemical variation, residue mobility, and thermodynamic stability) indicates that this missense variant is not expected to disrupt ADA2 protein function with a negative predictive value of 80%. In summary, the available evidence is currently insufficient to determine the role of this variant in disease. Therefore, it has been classified as a Variant of Uncertain Significance.

NM_001282225.2(ADA2):c.773A>G (p.Glu258Gly)

Gene: ADA2 (adenosine deaminase 2; minus strand). Cytogenetic location: 22q11.1.
Variant type: single nucleotide variant.
Coding change: c.773A>G on transcript NM_001282225.2 (MANE Select); coding-DNA position 773, A replaced by G.
Protein change: p.Glu258Gly; replaces glutamic acid 258 with glycine.
Molecular consequence: missense variant.
Genome position (GRCh38, 1-based): chr22:17,191,791, T>C on the plus strand (A>G on the coding strand, the complement: ADA2 is on the minus strand). VCF-style: chr22-17191791-T-C. GRCh37 (hg19) VCF-style: chr22-17672681-T-C.
Other names: c.773A>G, p.Glu258Gly (NM_001282226.2); c.647A>G, p.Glu216Gly (NM_001282227.2, NM_001282228.2); c.413A>G, p.Glu138Gly (NM_001282229.2); c.50A>G, p.Glu17Gly (NM_177405.3); short protein forms E138G, E258G, E216G, E17G.
Identifiers: ClinVar variation 4705834 (VCV004705834.1).
Genomic context (GRCh38, chr22:17,191,791, plus strand): 5'-TCCACAAACTTCTGAGCTACTTCCTGGTAAGTCTTCACTGACCACTCTTCGTCATGGTGC[T>C]CTCCACTGAGCTCATACACCTGGGAAGAAAGCACAACCAGGAGCCGTCAGGTGAGCAGTG-3'
Protein context (NP_001269154.1, residues 248-268): RLLPVYELSG[Glu258Gly]HHDEEWSVKT